The following is an entry in ClinVar:

ClinVar aggregate classification (germline): Conflicting classifications of pathogenicity. Review status: criteria provided, conflicting classifications (1 of 4 stars). 3 submissions from 3 submitters: Uncertain significance (1); Likely benign (1). 1 of the submissions does not count toward it. Last evaluated 2025-11-18.

Conditions:
Duchenne muscular dystrophy (DMD). Also called: Duchenne Muscular Dystrophy (DMD); MUSCULAR DYSTROPHY, PSEUDOHYPERTROPHIC PROGRESSIVE, DUCHENNE TYPE. Identifiers: Orphanet 98896, MedGen C0013264, MONDO:0010679, OMIM 310200.
Dystrophin deficiency.
Cardiomyopathy (CMYO). Also called: Cardiomyopathies. Identifiers: Orphanet 167848, MedGen C0878544, MONDO:0004994, HP:0001638. Inheritance: Various modes of inheritance.
Becker muscular dystrophy (BMD). Also called: Becker Muscular Dystrophy (BMD); MUSCULAR DYSTROPHY, PSEUDOHYPERTROPHIC PROGRESSIVE, BECKER TYPE. Identifiers: Orphanet 98895, MedGen C0917713, MONDO:0010311, OMIM 300376.
Cardiovascular phenotype. Identifiers: MedGen CN230736.

Allele frequency attached by ClinVar (database versions not stated): gnomAD exomes 0.00001; TOPMed 0.00002.
gnomAD v4.1: 12 of 1,210,304 alleles (0.00099%); highest among the groups gnomAD compares: African/African-American, 0.01%; no homozygotes.

Submissions (3):

Labcorp Genetics (formerly Invitae), Labcorp
Classification: Likely benign for Duchenne muscular dystrophy. Last evaluated: 2025-11-18. Review status: criteria provided, single submitter. Criteria: Invitae Variant Classification Sherloc (09022015). Collection method: clinical testing. Allele origin: germline.

Ambry Genetics
Classification: Uncertain significance for Cardiovascular phenotype. Last evaluated: 2023-07-31. Review status: criteria provided, single submitter. Criteria: Ambry Variant Classification Scheme 2023. Collection method: clinical testing. Allele origin: germline.
Comment: The c.10830G>A variant (also known as p.T3610T), located in coding exon 76 of the DMD gene, results from a G to A substitution at nucleotide position 10830. This nucleotide substitution does not change the threonine at codon 3610. This nucleotide position is not well conserved in available vertebrate species. In silico splice site analysis for this alteration is inconclusive. Since supporting evidence is limited at this time, the clinical significance of this alteration remains unclear.

Natera, Inc.
Classification: Likely benign for Becker muscular dystrophy; Cardiomyopathy; Duchenne muscular dystrophy; Dystrophin deficiency. Last evaluated: 2020-04-27. Review status: no assertion criteria provided. Collection method: clinical testing. Allele origin: germline. Not counted in ClinVar's aggregate classification.

NM_004006.3(DMD):c.10830G>A (p.Thr3610=)

Gene: DMD (dystrophin; minus strand). Cytogenetic location: Xp21.2.
Variant type: single nucleotide variant.
Coding change: c.10830G>A on transcript NM_004006.3 (MANE Select); coding-DNA position 10830, G replaced by A.
Protein change: p.Thr3610=; no amino-acid change (threonine 3610 retained).
Molecular consequence: synonymous variant.
Genome position (GRCh38, 1-based): chrX:31,146,382, C>T on the plus strand (G>A on the coding strand, the complement: DMD is on the minus strand). VCF-style: chrX-31146382-C-T. GRCh37 (hg19) VCF-style: chrX-31164499-C-T.
Other names: c.10806G>A, p.Thr3602= (NM_000109.4); c.10818G>A, p.Thr3606= (NM_004009.3); c.10461G>A, p.Thr3487= (NM_004010.3); c.6807G>A, p.Thr2269= (NM_004011.4); c.6798G>A, p.Thr2266= (NM_004012.4); c.3450G>A, p.Thr1150= (NM_004013.3, NM_004021.3); c.2643G>A, p.Thr881= (NM_004014.3); c.1626G>A, p.Thr542= (NM_004015.3, NM_004016.3); and 3 more.
Identifiers: ClinVar variation 772233 (VCV000772233.14), dbSNP rs113604000, ClinGen allele CA328402772.
Genomic context (GRCh38, chrX:31,146,382, plus strand): 5'-TCGGAGCAGCATAGGCTGACTGCTGTCGGACCTCTGTAGAGAGGTAGAAGGAGAGGACAC[C>T]GTTGTGCCATTCACTTTGGCCTCTGCCTGGGGCTAAGTCATCCAAAAGAAAACAGAATTA-3'
Protein context (NP_003997.2, residues 3600-3620): PQAEAKVNGT[Thr3610=]VSSPSTSLQR